The following is an entry in ClinVar:

ClinVar aggregate classification (germline): Uncertain significance. Review status: criteria provided, multiple submitters, no conflicts (2 of 4 stars). 2 submissions from 2 submitters: Uncertain significance (2). Last evaluated 2024-12-03.

Conditions:
Inborn genetic diseases. Identifiers: MedGen C0950123, MeSH D030342.

Allele frequency attached by ClinVar (database versions not stated): gnomAD exomes 0.00001; ExAC 0.00002; gnomAD 0.00002; TOPMed 0.00002.
gnomAD v4.1: 21 of 1,598,942 alleles (0.0013%); highest among the groups gnomAD compares: African/African-American, 0.0067%; no homozygotes.

Submissions (2):

Ambry Genetics
Classification: Uncertain significance for Inborn genetic diseases. Last evaluated: 2024-12-03. Review status: criteria provided, single submitter. Criteria: Ambry Variant Classification Scheme 2023. Collection method: clinical testing. Allele origin: germline.

Labcorp Genetics (formerly Invitae), Labcorp
Classification: Uncertain significance. Last evaluated: 2023-07-03. Review status: criteria provided, single submitter. Criteria: Invitae Variant Classification Sherloc (09022015). Collection method: clinical testing. Allele origin: germline.
Comment: This sequence change replaces arginine, which is basic and polar, with tryptophan, which is neutral and slightly polar, at codon 1369 of the WDR62 protein (p.Arg1369Trp). This variant is present in population databases (rs201531251, gnomAD 0.003%). This variant has not been reported in the literature in individuals affected with WDR62-related conditions. ClinVar contains an entry for this variant (Variation ID: 1507903). Advanced modeling of protein sequence and biophysical properties (such as structural, functional, and spatial information, amino acid conservation, physicochemical variation, residue mobility, and thermodynamic stability) performed at Invitae indicates that this missense variant is not expected to disrupt WDR62 protein function. In summary, the available evidence is currently insufficient to determine the role of this variant in disease. Therefore, it has been classified as a Variant of Uncertain Significance.

NM_001083961.2(WDR62):c.4105C>T (p.Arg1369Trp)

Gene: WDR62 (WD repeat domain 62; plus strand). Cytogenetic location: 19q13.12.
Variant type: single nucleotide variant.
Coding change: c.4105C>T on transcript NM_001083961.2 (MANE Select); coding-DNA position 4105, C replaced by T.
Protein change: p.Arg1369Trp; replaces arginine 1369 with tryptophan.
Molecular consequence: missense variant.
Genome position (GRCh38, 1-based): chr19:36,103,933, C>T. VCF-style: chr19-36103933-C-T. GRCh37 (hg19) VCF-style: chr19-36594835-C-T.
Other names: c.4090C>T, p.Arg1364Trp (NM_173636.5); c.4105C>T (NM_001083961.1); short protein forms R1369W, R1364W.
Identifiers: ClinVar variation 1507903 (VCV001507903.7), dbSNP rs201531251, ClinGen allele CA9396465.